The following is an entry in ClinVar:

NM_006567.5(FARS2):c.914A>G (p.Gln305Arg)

Gene: FARS2 (phenylalanyl-tRNA synthetase 2, mitochondrial; plus strand). Cytogenetic location: 6p25.1.
Variant type: single nucleotide variant.
Coding change: c.914A>G on transcript NM_006567.5 (MANE Select); coding-DNA position 914, A replaced by G.
Protein change: p.Gln305Arg; replaces glutamine 305 with arginine.
Molecular consequence: missense variant.
Genome position (GRCh38, 1-based): chr6:5,545,189, A>G. VCF-style: chr6-5545189-A-G. GRCh37 (hg19) VCF-style: chr6-5545422-A-G.
Other names: c.914A>G, p.Gln305Arg (NM_001318872.2, NM_001374875.1, NM_001374876.1 and 4 more transcripts); c.782A>G, p.Gln261Arg (NM_001375258.1); c.218A>G, p.Gln73Arg (NM_001375259.1, NM_001375260.1); short protein forms Q305R, Q73R, Q261R.
Identifiers: ClinVar variation 862914 (VCV000862914.1), dbSNP rs543297094, ClinGen allele CA3623834.

ClinVar aggregate classification (germline): Uncertain significance (1 of 4 stars; one submission).

Conditions:
Combined oxidative phosphorylation defect type 14. Also called: Combined oxidative phosphorylation deficiency 14. Identifiers: Orphanet 319519, MedGen C4755312, MONDO:0013986, OMIM 614946.

Allele frequency attached by ClinVar (database versions not stated): gnomAD exomes below 0.00001; ExAC 0.00001; gnomAD 0.00001; 1000 Genomes Project 30x 0.00016; 1000 Genomes Project 0.00020.
gnomAD v4.1: 3 of 1,613,848 alleles (0.00019%); highest among the groups gnomAD compares: African/African-American, 0.0013%; no homozygotes.

Submission:

Labcorp Genetics (formerly Invitae), Labcorp
Classification: Uncertain significance for Combined oxidative phosphorylation deficiency 14. Last evaluated: 2019-03-11. Review status: criteria provided, single submitter. Criteria: Invitae Variant Classification Sherloc (09022015). Collection method: clinical testing. Allele origin: germline.
Comment: This sequence change replaces glutamine with arginine at codon 305 of the FARS2 protein (p.Gln305Arg). The glutamine residue is weakly conserved and there is a small physicochemical difference between glutamine and arginine. This variant is present in population databases (rs543297094, ExAC 0.01%). This variant has not been reported in the literature in individuals with FARS2-related conditions. Algorithms developed to predict the effect of missense changes on protein structure and function (SIFT, PolyPhen-2, Align-GVGD) all suggest that this variant is likely to be tolerated, but these predictions have not been confirmed by published functional studies and their clinical significance is uncertain. In summary, the available evidence is currently insufficient to determine the role of this variant in disease. Therefore, it has been classified as a Variant of Uncertain Significance.